The following is an entry in ClinVar:

ClinVar aggregate classification (germline): Likely benign (1 of 4 stars; one submission).

Allele frequency attached by ClinVar (database versions not stated): 1000 Genomes Project 0.00160; gnomAD 0.00481.

Submission:

CeGaT Center for Human Genetics Tuebingen
Classification: Likely benign. Last evaluated: 2022-10-01. Review status: criteria provided, single submitter. Criteria: CeGaT Center For Human Genetics Tuebingen Variant Classification Criteria Version 2. Collection method: clinical testing. Allele origin: germline. Affected: yes. Observed: 3 variant alleles.
Comment: MUC19: BP4, BP7

NC_000012.12:g.40485730G>A

Gene: MUC19 (mucin 19, oligomeric (gene/pseudogene); plus strand). Cytogenetic location: 12q12.
Variant type: single nucleotide variant.
Genome position: GRCh38 VCF-style: chr12-40485730-G-A. GRCh37 (hg19) VCF-style: chr12-40879532-G-A.
Identifiers: ClinVar variation 2642869 (VCV002642869.24), dbSNP rs144308011, ClinGen allele CA235376057.